The following is an entry in ClinVar:

NM_001365276.2(TNXB):c.4180G>A (p.Val1394Ile)

Gene: TNXB (tenascin XB; minus strand). Cytogenetic location: 6p21.33.
Variant type: single nucleotide variant.
Coding change: c.4180G>A on transcript NM_001365276.2 (MANE Select); coding-DNA position 4180, G replaced by A.
Protein change: p.Val1394Ile; replaces valine 1394 with isoleucine.
Molecular consequence: missense variant.
Genome position (GRCh38, 1-based): chr6:32,079,228, C>T on the plus strand (G>A on the coding strand, the complement: TNXB is on the minus strand). VCF-style: chr6-32079228-C-T. GRCh37 (hg19) VCF-style: chr6-32047005-C-T.
Other names: c.4180G>A, p.Val1394Ile (NM_019105.8); short protein forms V1394I.
Identifiers: ClinVar variation 2560886 (VCV002560886.2), dbSNP rs541600049, ClinGen allele CA3735012.
Genomic context (GRCh38, chr6:32,079,228, plus strand): 5'-GGGGCCGCCCATCCCTGTCCTTGTACTGCACGGTGAAAGAGTCGAAGCTGCCCTGGGGGA[C>T]GGTCCAGAAGAGGCTCAGCGAATCAGGGGAGGATCCTGTCACTGTCAGCTCCCCCAGGAG-3'
Protein context (NP_001352205.1, residues 1384-1404): SPDSLSLFWT[Val1394Ile]PQGSFDSFTV

ClinVar aggregate classification (germline): Uncertain significance (1 of 4 stars; one submission).

Conditions:
Cardiovascular phenotype. Identifiers: MedGen CN230736.

Allele frequency attached by ClinVar (database versions not stated): ExAC 0.00003; gnomAD 0.00003; TOPMed 0.00004; 1000 Genomes Project 30x 0.00016; 1000 Genomes Project 0.00020.
gnomAD v4.1: 90 of 1,613,766 alleles (0.0056%); highest among the groups gnomAD compares: Non-Finnish European, 0.0073%; no homozygotes.

Submission:

Ambry Genetics
Classification: Uncertain significance for Cardiovascular phenotype. Last evaluated: 2023-06-14. Review status: criteria provided, single submitter. Criteria: Ambry Variant Classification Scheme 2023. Collection method: clinical testing. Allele origin: germline.
Comment: The p.V1394I variant (also known as c.4180G>A), located in coding exon 10 of the TNXB gene, results from a G to A substitution at nucleotide position 4180. The valine at codon 1394 is replaced by isoleucine, an amino acid with highly similar properties. This amino acid position is conserved. In addition, this alteration is predicted to be tolerated by in silico analysis. Since supporting evidence is limited at this time, the clinical significance of this alteration remains unclear.